The following is an entry in ClinVar:

ClinVar aggregate classification (germline): Uncertain significance (1 of 4 stars; one submission).

Conditions:
Hereditary cancer-predisposing syndrome. Also called: Hereditary Cancer Syndrome; Hereditary neoplastic syndrome; Neoplastic Syndromes, Hereditary; Tumor predisposition. Identifiers: Orphanet 140162, MedGen C0027672, MeSH D009386, MONDO:0015356.

Allele frequency attached by ClinVar (database versions not stated): gnomAD exomes below 0.00001.
gnomAD v4.1: 1 of 1,614,178 alleles (0.000062%); highest among the groups gnomAD compares: Non-Finnish European, 0.000085%; no homozygotes.

Submission:

Ambry Genetics
Classification: Uncertain significance for Hereditary cancer-predisposing syndrome. Last evaluated: 2022-01-18. Review status: criteria provided, single submitter. Criteria: Ambry Variant Classification Scheme 2023. Collection method: clinical testing. Allele origin: germline.
Comment: The p.L1441M variant (also known as c.4321C>A), located in coding exon 34 of the POLE gene, results from a C to A substitution at nucleotide position 4321. The leucine at codon 1441 is replaced by methionine, an amino acid with highly similar properties. This amino acid position is conserved. In addition, this alteration is predicted to be tolerated by in silico analysis. Since supporting evidence is limited at this time, the clinical significance of this alteration remains unclear.

NM_006231.4(POLE):c.4321C>A (p.Leu1441Met)

Gene: POLE (DNA polymerase epsilon, catalytic subunit; minus strand). Cytogenetic location: 12q24.33.
Variant type: single nucleotide variant.
Coding change: c.4321C>A on transcript NM_006231.4 (MANE Select); coding-DNA position 4321, C replaced by A.
Protein change: p.Leu1441Met; replaces leucine 1441 with methionine.
Molecular consequence: missense variant.
Genome position (GRCh38, 1-based): chr12:132,643,530, G>T on the plus strand (C>A on the coding strand, the complement: POLE is on the minus strand). VCF-style: chr12-132643530-G-T. GRCh37 (hg19) VCF-style: chr12-133220116-G-T.
Other names: short protein forms L1441M.
Identifiers: ClinVar variation 1739706 (VCV001739706.2), dbSNP rs2138552905, ClinGen allele CA387381495.